The following is an entry in ClinVar:

NM_007186.6(CEP250):c.3106A>C (p.Lys1036Gln)

Gene: CEP250 (centrosomal protein 250; plus strand). Cytogenetic location: 20q11.22.
Variant type: single nucleotide variant.
Coding change: c.3106A>C on transcript NM_007186.6 (MANE Select); coding-DNA position 3106, A replaced by C.
Protein change: p.Lys1036Gln; replaces lysine 1036 with glutamine.
Molecular consequence: missense variant.
Genome position (GRCh38, 1-based): chr20:35,494,596, A>C. VCF-style: chr20-35494596-A-C. GRCh37 (hg19) VCF-style: chr20-34082423-A-C.
Other names: c.1210A>C, p.Lys404Gln (NM_001318219.1); short protein forms K404Q, K1036Q.
Identifiers: ClinVar variation 1346056 (VCV001346056.8), dbSNP rs2147080542, ClinGen allele CA408742128.

ClinVar aggregate classification (germline): Uncertain significance (1 of 4 stars; one submission).

Submission:

Labcorp Genetics (formerly Invitae), Labcorp
Classification: Uncertain significance. Last evaluated: 2022-07-18. Review status: criteria provided, single submitter. Criteria: Invitae Variant Classification Sherloc (09022015). Collection method: clinical testing. Allele origin: germline.
Comment: In summary, the available evidence is currently insufficient to determine the role of this variant in disease. Therefore, it has been classified as a Variant of Uncertain Significance. Algorithms developed to predict the effect of missense changes on protein structure and function are either unavailable or do not agree on the potential impact of this missense change (SIFT: "Not Available"; PolyPhen-2: "Benign"; Align-GVGD: "Not Available"). ClinVar contains an entry for this variant (Variation ID: 1346056). This variant has not been reported in the literature in individuals affected with CEP250-related conditions. This variant is not present in population databases (gnomAD no frequency). This sequence change replaces lysine, which is basic and polar, with glutamine, which is neutral and polar, at codon 1036 of the CEP250 protein (p.Lys1036Gln).